The following is an entry in ClinVar:

NM_000069.3(CACNA1S):c.4543+7G>A

Gene: CACNA1S (calcium voltage-gated channel subunit alpha1 S; minus strand). Cytogenetic location: 1q32.1.
Variant type: single nucleotide variant.
Coding change: c.4543+7G>A on transcript NM_000069.3 (MANE Select); 7 bases into the intron after coding-DNA position 4543, G replaced by A.
Molecular consequence: intron variant.
Genome position (GRCh38, 1-based): chr1:201,047,518, C>T on the plus strand (G>A on the coding strand, the complement: CACNA1S is on the minus strand). VCF-style: chr1-201047518-C-T. GRCh37 (hg19) VCF-style: chr1-201016646-C-T.
Other names: p.?.
Identifiers: ClinVar variation 254838 (VCV000254838.18), dbSNP rs2297905, ClinGen allele CA083432.

ClinVar aggregate classification (germline): Benign. Review status: criteria provided, multiple submitters, no conflicts (2 of 4 stars). 12 submissions from 9 submitters: Benign (12). Last evaluated 2026-02-04.

Conditions:
Congenital myopathy 18. Also called: Myopathy, congenital, due to dihydropyridine receptor defect; DIHYDROPYRIDINE RECEPTOR CONGENITAL MYOPATHY; DHPR CONGENITAL MYOPATHY. Identifiers: MedGen C5830283, MONDO:0859514, OMIM 620246.
Hypokalemic periodic paralysis, type 1. Also called: Hypokalemic Periodic Paralysis Type 1 (AD); HypoPP. Identifiers: Orphanet 681, MedGen C3714580, MONDO:0042979, OMIM 170400.
Malignant hyperthermia, susceptibility to, 5 (MHS5). Also called: CACNA1S-Related Malignant Hyperthermia Susceptibility. Identifiers: Orphanet 423, MedGen C1866077, MONDO:0011163, OMIM 601887.
Thyrotoxic periodic paralysis, susceptibility to, 1 (TTPP1). Identifiers: Orphanet 79102, MedGen C2749982, MONDO:0008570, OMIM 188580.

Allele frequency attached by ClinVar (database versions not stated): gnomAD exomes 0.12634 and 0.12720; ExAC 0.13449; 1000 Genomes Project 0.17192; 1000 Genomes Project 30x 0.17552; gnomAD 0.18709 and 0.19414; TOPMed 0.19521; ESP Exome Variant Server 0.20521.
gnomAD v4.1: 212,704 of 1,607,216 alleles (13%); highest among the groups gnomAD compares: African/African-American, 35%; 16,484 homozygotes.

Submissions (12):

Labcorp Genetics (formerly Invitae), Labcorp
Classification: Benign for Hypokalemic periodic paralysis, type 1; Malignant hyperthermia, susceptibility to, 5. Last evaluated: 2026-02-04. Review status: criteria provided, single submitter. Criteria: Invitae Variant Classification Sherloc (09022015). Collection method: clinical testing. Allele origin: germline.

Blueprint Genetics
Classification: Benign. Last evaluated: 2024-11-26. Review status: criteria provided, single submitter. Criteria: ACMG Guidelines, 2015. Collection method: clinical testing. Allele origin: germline.

Genome-Nilou Lab
Classification: Benign for Malignant hyperthermia, susceptibility to, 5. Last evaluated: 2023-04-11. Review status: criteria provided, single submitter. Criteria: ACMG Guidelines, 2015. Collection method: clinical testing. Allele origin: germline. Affected: no.

Genome-Nilou Lab
Classification: Benign for Thyrotoxic periodic paralysis, susceptibility to, 1. Last evaluated: 2023-04-11. Review status: criteria provided, single submitter. Criteria: ACMG Guidelines, 2015. Collection method: clinical testing. Allele origin: germline. Affected: no.

Genome-Nilou Lab
Classification: Benign for Congenital myopathy 18. Last evaluated: 2023-04-11. Review status: criteria provided, single submitter. Criteria: ACMG Guidelines, 2015. Collection method: clinical testing. Allele origin: germline. Affected: no.

Genome-Nilou Lab
Classification: Benign for Hypokalemic periodic paralysis, type 1. Last evaluated: 2023-04-11. Review status: criteria provided, single submitter. Criteria: ACMG Guidelines, 2015. Collection method: clinical testing. Allele origin: germline. Affected: no.

Illumina Laboratory Services, Illumina
Classification: Benign for Hypokalemic periodic paralysis, type 1. Last evaluated: 2018-01-12. Review status: criteria provided, single submitter. Criteria: ICSL Variant Classification Criteria 13 December 2019. Collection method: clinical testing. Allele origin: germline.
Comment: This variant was observed in the ICSL laboratory as part of a predisposition screen in an ostensibly healthy population. It had not been previously curated by ICSL or reported in the Human Gene Mutation Database (HGMD: prior to June 1st, 2018), and was therefore a candidate for classification through an automated scoring system. Utilizing variant allele frequency, disease prevalence and penetrance estimates, and inheritance mode, an automated score was calculated to assess if this variant is too frequent to cause the disease. Based on the score and internal cut-off values, a variant classified as benign is not then subjected to further curation. The score for this variant resulted in a classification of benign for this disease.

Mayo Clinic Laboratories, Mayo Clinic
Classification: Benign. Last evaluated: 2017-10-05. Review status: criteria provided, single submitter. Criteria: ACMG Guidelines, 2015. Collection method: clinical testing. Allele origin: germline. Observed: 152 variant alleles.

Athena Diagnostics
Classification: Benign. Last evaluated: 2017-07-21. Review status: criteria provided, single submitter. Criteria: Athena Diagnostics Criteria. Collection method: clinical testing. Allele origin: germline.

GeneDx
Classification: Benign. Last evaluated: 2016-01-29. Review status: criteria provided, single submitter. Criteria: GeneDx Variant Classification (06012015). Collection method: clinical testing. Allele origin: germline. Affected: yes.
Comment: This variant is considered likely benign or benign based on one or more of the following criteria: it is a conservative change, it occurs at a poorly conserved position in the protein, it is predicted to be benign by multiple in silico algorithms, and/or has population frequency not consistent with disease.

Breakthrough Genomics
Classification: Benign. Review status: criteria provided, single submitter. Criteria: ACMG Guidelines, 2015. Collection method: not provided. Allele origin: germline. Inheritance: Autosomal dominant inheritance. Affected: yes.

PreventionGenetics, part of Exact Sciences
Classification: Benign. Review status: criteria provided, single submitter. Criteria: ACMG Guidelines, 2015. Collection method: clinical testing. Allele origin: germline.